The following is an entry in ClinVar:

ClinVar aggregate classification (germline): Uncertain significance (1 of 4 stars; one submission).

gnomAD v4.1: 9 of 1,613,920 alleles (0.00056%); highest among the groups gnomAD compares: Non-Finnish European, 0.00076%; no homozygotes.

Submission:

Ambry Genetics
Classification: Uncertain significance. Last evaluated: 2026-03-28. Review status: criteria provided, single submitter. Criteria: Ambry Variant Classification Scheme 2023. Collection method: clinical testing. Allele origin: germline.
Comment: The p.P18A variant (also known as c.52C>G), located in coding exon 1 of the GEN1 gene, results from a C to G substitution at nucleotide position 52. The proline at codon 18 is replaced by alanine, an amino acid with highly similar properties. This amino acid position is conserved. In addition, this alteration is predicted to be tolerated by in silico analysis. Based on the available evidence, the clinical significance of this variant remains unclear.

NM_001130009.3(GEN1):c.52C>G (p.Pro18Ala)

Gene: GEN1 (GEN1 structure-specific endonuclease; plus strand). Cytogenetic location: 2p24.2.
Variant type: single nucleotide variant.
Coding change: c.52C>G on transcript NM_001130009.3 (MANE Select); coding-DNA position 52, C replaced by G.
Protein change: p.Pro18Ala; replaces proline 18 with alanine.
Molecular consequence: missense variant.
Genome position (GRCh38, 1-based): chr2:17,759,995, C>G. VCF-style: chr2-17759995-C-G. GRCh37 (hg19) VCF-style: chr2-17941262-C-G.
Other names: c.52C>G, p.Pro18Ala (NM_182625.5); short protein forms P18A.
Identifiers: ClinVar variation 4857948 (VCV004857948.1).
Genomic context (GRCh38, chr2:17,759,995, plus strand): 5'-ATCACCAGAATGGGAGTGAATGACTTGTGGCAAATTTTGGAGCCTGTTAAGCAACACATC[C>G]CCTTGCGTAATCTTGGTGGGAAAACCATTGCAGTTGATCTGAGTCTCTGGGTGTGTGAGG-3'
Protein context (NP_001123481.3, residues 8-28): QILEPVKQHI[Pro18Ala]LRNLGGKTIA